The following is an entry in ClinVar:

ClinVar aggregate classification (germline): Uncertain significance (1 of 4 stars; one submission).

Conditions:
Wilms tumor 1 (WT1). Also called: Wilms tumor, somatic. Identifiers: Orphanet 654, MedGen CN033288, MONDO:0008679, OMIM 194070.

Submission:

Labcorp Genetics (formerly Invitae), Labcorp
Classification: Uncertain significance for Wilms tumor 1. Last evaluated: 2022-08-23. Review status: criteria provided, single submitter. Criteria: Invitae Variant Classification Sherloc (09022015). Collection method: clinical testing. Allele origin: germline.
Comment: Variants that disrupt the consensus splice site are a relatively common cause of aberrant splicing (PMID: 17576681, 9536098). Algorithms developed to predict the effect of sequence changes on RNA splicing suggest that this variant may disrupt the consensus splice site. In summary, the available evidence is currently insufficient to determine the role of this variant in disease. Therefore, it has been classified as a Variant of Uncertain Significance. ClinVar contains an entry for this variant (Variation ID: 938861). This variant has not been reported in the literature in individuals affected with GPC3-related conditions. This variant is not present in population databases (gnomAD no frequency). This sequence change falls in intron 3 of the GPC3 gene. It does not directly change the encoded amino acid sequence of the GPC3 protein. It affects a nucleotide within the consensus splice site.

Literature cited by the submitters: PubMed 17576681; PubMed 9536098.

NM_004484.4(GPC3):c.1032+5G>A

Gene: GPC3 (glypican 3; minus strand). Cytogenetic location: Xq26.2.
Variant type: single nucleotide variant.
Coding change: c.1032+5G>A on transcript NM_004484.4 (MANE Select); 5 bases into the intron after coding-DNA position 1032, G replaced by A.
Molecular consequence: intron variant.
Genome position (GRCh38, 1-based): chrX:133,753,477, C>T on the plus strand (G>A on the coding strand, the complement: GPC3 is on the minus strand). VCF-style: chrX-133753477-C-T. GRCh37 (hg19) VCF-style: chrX-132887504-C-T.
Other names: c.870+5G>A (NM_001164619.2); c.984+5G>A (NM_001164618.2); c.1032+5G>A (NM_001164617.2).
Identifiers: ClinVar variation 938861 (VCV000938861.8), dbSNP rs2071687291, ClinGen allele CA1139667797.